The following is an entry in ClinVar:

ClinVar aggregate classification (germline): Uncertain significance. Review status: criteria provided, multiple submitters, no conflicts (2 of 4 stars). 2 submissions from 2 submitters: Uncertain significance (2). Last evaluated 2026-08-29.

Conditions:
Baller-Gerold syndrome (BGS). Also called: CRANIOSYNOSTOSIS WITH RADIAL DEFECTS. Identifiers: Orphanet 1225, MedGen C0265308, MONDO:0009039, OMIM 218600.
Inborn genetic diseases. Identifiers: MedGen C0950123, MeSH D030342.

Submissions (2):

Ambry Genetics
Classification: Uncertain significance for Inborn genetic diseases. Last evaluated: 2026-08-29. Review status: criteria provided, single submitter. Criteria: Ambry Variant Classification Scheme 2023. Collection method: clinical testing. Allele origin: germline.
Comment: The p.V489F variant (also known as c.1465G>T), located in coding exon 8 of the RECQL4 gene, results from a G to T substitution at nucleotide position 1465. The valine at codon 489 is replaced by phenylalanine, an amino acid with highly similar properties. This amino acid position is conserved. In addition, the in silico prediction for this alteration is inconclusive. Based on the available evidence, the clinical significance of this variant remains unclear.

Labcorp Genetics (formerly Invitae), Labcorp
Classification: Uncertain significance for Baller-Gerold syndrome. Last evaluated: 2025-12-02. Review status: criteria provided, single submitter. Criteria: Invitae Variant Classification Sherloc (09022015). Collection method: clinical testing. Allele origin: germline.
Comment: This sequence change replaces valine, which is neutral and non-polar, with phenylalanine, which is neutral and non-polar, at codon 489 of the RECQL4 protein (p.Val489Phe). This variant is not present in population databases (gnomAD no frequency). This variant has not been reported in the literature in individuals affected with RECQL4-related conditions. ClinVar contains an entry for this variant (Variation ID: 2727619). Invitae Evidence Modeling of protein sequence and biophysical properties (such as structural, functional, and spatial information, amino acid conservation, physicochemical variation, residue mobility, and thermodynamic stability) indicates that this missense variant is expected to disrupt RECQL4 protein function with a positive predictive value of 80%. In summary, the available evidence is currently insufficient to determine the role of this variant in disease. Therefore, it has been classified as a Variant of Uncertain Significance.

NM_004260.4(RECQL4):c.1465G>T (p.Val489Phe)

Gene: RECQL4 (RecQ like helicase 4; minus strand). Cytogenetic location: 8q24.3.
Variant type: single nucleotide variant.
Coding change: c.1465G>T on transcript NM_004260.4 (MANE Select); coding-DNA position 1465, G replaced by T.
Protein change: p.Val489Phe; replaces valine 489 with phenylalanine.
Molecular consequence: missense variant. On other transcripts: 5 prime UTR variant (1), non-coding transcript variant (3).
Genome position (GRCh38, 1-based): chr8:144,515,168, C>A on the plus strand (G>T on the coding strand, the complement: RECQL4 is on the minus strand). VCF-style: chr8-144515168-C-A. GRCh37 (hg19) VCF-style: chr8-145740552-C-A.
Other names: c.1465G>T (NM_004260.3); c.1369G>T, p.Val457Phe (NM_001413017.1, NM_001413020.1); c.1465G>T, p.Val489Phe (NM_001413018.1, NM_001413019.1, NM_001413033.1 and 2 more transcripts); c.394G>T, p.Val132Phe (NM_001413021.1, NM_001413022.1, NM_001413023.1 and 8 more transcripts); c.1336G>T, p.Val446Phe (NM_001413025.1); c.328G>T, p.Val110Phe (NM_001413027.1, NM_001413030.1, NM_001413031.1 and 2 more transcripts); c.1114G>T, p.Val372Phe (NM_001413029.1); c.-3G>T (NM_001413043.1); short protein forms V110F, V457F, V489F, V372F, V132F, V446F.
Identifiers: ClinVar variation 2727619 (VCV002727619.5), dbSNP rs1250323268, ClinGen allele CA372684616.